The following is an entry in ClinVar:

ClinVar aggregate classification (germline): Uncertain significance (1 of 4 stars; one submission).

Conditions:
Usher syndrome type 3B. Also called: USHER SYNDROME, TYPE IIIB. Identifiers: MedGen C3281066, MONDO:0013788, OMIM 614504.

Submission:

Labcorp Genetics (formerly Invitae), Labcorp
Classification: Uncertain significance for Usher syndrome type 3B. Last evaluated: 2025-01-06. Review status: criteria provided, single submitter. Criteria: Invitae Variant Classification Sherloc (09022015). Collection method: clinical testing. Allele origin: germline.
Comment: This sequence change replaces lysine, which is basic and polar, with glutamic acid, which is acidic and polar, at codon 477 of the HARS protein (p.Lys477Glu). This variant is not present in population databases (gnomAD no frequency). This variant has not been reported in the literature in individuals affected with HARS-related conditions. ClinVar contains an entry for this variant (Variation ID: 1680288). Invitae Evidence Modeling of protein sequence and biophysical properties (such as structural, functional, and spatial information, amino acid conservation, physicochemical variation, residue mobility, and thermodynamic stability) has been performed for this missense variant. However, the output from this modeling did not meet the statistical confidence thresholds required to predict the impact of this variant on HARS protein function. In summary, the available evidence is currently insufficient to determine the role of this variant in disease. Therefore, it has been classified as a Variant of Uncertain Significance.

NM_002109.6(HARS1):c.1429A>G (p.Lys477Glu)

Gene: HARS1 (histidyl-tRNA synthetase 1; minus strand). Cytogenetic location: 5q31.3.
Variant type: single nucleotide variant.
Coding change: c.1429A>G on transcript NM_002109.6 (MANE Select); coding-DNA position 1429, A replaced by G.
Protein change: p.Lys477Glu; replaces lysine 477 with glutamic acid.
Molecular consequence: missense variant.
Genome position (GRCh38, 1-based): chr5:140,674,708, T>C on the plus strand (A>G on the coding strand, the complement: HARS1 is on the minus strand). VCF-style: chr5-140674708-T-C. GRCh37 (hg19) VCF-style: chr5-140054293-T-C.
Other names: c.1309A>G, p.Lys437Glu (NM_001258040.3); c.1369A>G, p.Lys457Glu (NM_001258041.3); c.1249A>G, p.Lys417Glu (NM_001258042.3); c.1207A>G, p.Lys403Glu (NM_001289092.2); c.1087A>G, p.Lys363Glu (NM_001289093.2); c.1342A>G, p.Lys448Glu (NM_001289094.2); short protein forms K363E, K403E, K417E, K437E, K448E, K457E, K477E.
Identifiers: ClinVar variation 1680288 (VCV001680288.8), dbSNP rs2149819440, ClinGen allele CA361246922.